The following is an entry in ClinVar:

NM_019032.6(ADAMTSL4):c.2828C>T (p.Thr943Met)

Gene: ADAMTSL4 (ADAMTS like 4; plus strand). Cytogenetic location: 1q21.2.
Variant type: single nucleotide variant.
Coding change: c.2828C>T on transcript NM_019032.6 (MANE Select); coding-DNA position 2828, C replaced by T.
Protein change: p.Thr943Met; replaces threonine 943 with methionine.
Molecular consequence: missense variant.
Genome position (GRCh38, 1-based): chr1:150,559,351, C>T. VCF-style: chr1-150559351-C-T. GRCh37 (hg19) VCF-style: chr1-150531827-C-T.
Other names: c.2711C>T, p.Thr904Met (NM_001288607.2); c.2897C>T, p.Thr966Met (NM_001288608.2); c.2828C>T, p.Thr943Met (NM_001378596.1); c.2828C>T (NM_019032.4); short protein forms T943M, T904M, T966M.
Identifiers: ClinVar variation 2188292 (VCV002188292.2), dbSNP rs370922188, ClinGen allele CA1078853.

ClinVar aggregate classification (germline): Uncertain significance. Review status: criteria provided, multiple submitters, no conflicts (2 of 4 stars). 2 submissions from 2 submitters: Uncertain significance (2). Last evaluated 2023-12-28.

Conditions:
Inborn genetic diseases. Identifiers: MedGen C0950123, MeSH D030342.

Allele frequency attached by ClinVar (database versions not stated): gnomAD 0.00001; gnomAD exomes 0.00001; ExAC 0.00002; TOPMed 0.00003; ESP Exome Variant Server 0.00008.
gnomAD v4.1: 13 of 1,613,848 alleles (0.00081%); highest among the groups gnomAD compares: South Asian, 0.0099%; no homozygotes.

Submissions (2):

Ambry Genetics
Classification: Uncertain significance for Inborn genetic diseases. Last evaluated: 2023-12-28. Review status: criteria provided, single submitter. Criteria: Ambry Variant Classification Scheme 2023. Collection method: clinical testing. Allele origin: germline.

Labcorp Genetics (formerly Invitae), Labcorp
Classification: Uncertain significance. Last evaluated: 2022-03-14. Review status: criteria provided, single submitter. Criteria: Invitae Variant Classification Sherloc (09022015). Collection method: clinical testing. Allele origin: germline.
Comment: This sequence change replaces threonine, which is neutral and polar, with methionine, which is neutral and non-polar, at codon 943 of the ADAMTSL4 protein (p.Thr943Met). This variant is present in population databases (rs370922188, gnomAD 0.003%). This variant has not been reported in the literature in individuals affected with ADAMTSL4-related conditions. Algorithms developed to predict the effect of missense changes on protein structure and function output the following: SIFT: "Tolerated"; PolyPhen-2: "Benign"; Align-GVGD: "Class C0". The methionine amino acid residue is found in multiple mammalian species, which suggests that this missense change does not adversely affect protein function. In summary, the available evidence is currently insufficient to determine the role of this variant in disease. Therefore, it has been classified as a Variant of Uncertain Significance.